The following is an entry in ClinVar:

NM_007294.4(BRCA1):c.5534A>T (p.Tyr1845Phe)

Gene: BRCA1 (BRCA1 DNA repair associated; minus strand). Cytogenetic location: 17q21.31.
Variant type: single nucleotide variant.
Coding change: c.5534A>T on transcript NM_007294.4 (MANE Select); coding-DNA position 5534, A replaced by T.
Protein change: p.Tyr1845Phe; replaces tyrosine 1845 with phenylalanine.
Molecular consequence: missense variant. On other transcripts: 3 prime UTR variant (1), non-coding transcript variant (1).
Genome position (GRCh38, 1-based): chr17:43,045,736, T>A on the plus strand (A>T on the coding strand, the complement: BRCA1 is on the minus strand). VCF-style: chr17-43045736-T-A. GRCh37 (hg19) VCF-style: chr17-41197753-T-A.
Other names: c.5390A>T, p.Tyr1797Phe (NM_001407740.1, NM_001407741.1, NM_001407742.1 and 18 more transcripts); c.2084A>T, p.Tyr695Phe (NM_001408457.1, NM_001408452.1, NM_001408453.1 and 3 more transcripts); c.2081A>T, p.Tyr694Phe (NM_001408458.1, NM_001408459.1, NM_001408460.1 and 7 more transcripts); c.5531A>T, p.Tyr1844Phe (NM_001407616.1, NM_001407617.1, NM_001407618.1 and 14 more transcripts); c.5528A>T, p.Tyr1843Phe (NM_001407635.1, NM_001407636.1, NM_001407637.1 and 13 more transcripts); c.5525A>T, p.Tyr1842Phe (NM_001407644.1, NM_001407645.1); c.5453A>T, p.Tyr1818Phe (NM_001407657.1, NM_001407658.1, NM_001407656.1); c.5450A>T, p.Tyr1817Phe (NM_001407659.1, NM_001407660.1, NM_001407661.1 and 2 more transcripts); and 74 more; short protein forms Y1798F, Y1866F, Y741F, Y1845F, Y1549F, Y1716F, Y1717F, Y1756F.
Identifiers: ClinVar variation 869019 (VCV000869019.3), dbSNP rs876660280, ClinGen allele CA10590253.

Conditions:
Breast-ovarian cancer, familial, susceptibility to, 1 (BROVCA1). Also called: BRCA1 Hereditary Breast and Ovarian Cancer; OVARIAN CANCER, SUSCEPTIBILITY TO. Identifiers: Orphanet 145, MedGen C2676676, MONDO:0011450, OMIM 604370. Disease mechanism: loss of function.

Submission:

Brotman Baty Institute, University of Washington
No classification provided (evidence only). Condition: Breast-ovarian cancer, familial 1. Review status: no classification provided. Collection method: in vitro. Allele origin: not applicable. Functional consequence: functionally_normal.
ClinVar note: "not provided" was previously submitted as the classification for the variant. However, the classification appeared to be based only on an observation of functional data so it was converted to no classification on 2025-07-30.